The following is an entry in ClinVar:

NM_004360.5(CDH1):c.2634C>T (p.Gly878=)

Gene: CDH1 (cadherin 1; plus strand). Cytogenetic location: 16q22.1.
Variant type: single nucleotide variant.
Coding change: c.2634C>T on transcript NM_004360.5 (MANE Select); coding-DNA position 2634, C replaced by T.
Protein change: p.Gly878=; no amino-acid change (glycine 878 retained).
Molecular consequence: synonymous variant.
Genome position (GRCh38, 1-based): chr16:68,833,484, C>T. VCF-style: chr16-68833484-C-T. GRCh37 (hg19) VCF-style: chr16-68867387-C-T.
Other names: c.2634C>T (LRG_301t1); c.2451C>T, p.Gly817= (NM_001317184.2); c.1086C>T, p.Gly362= (NM_001317185.2); c.669C>T, p.Gly223= (NM_001317186.2).
Identifiers: ClinVar variation 142632 (VCV000142632.51), dbSNP rs2229044, ClinGen allele CA168961.

ClinVar aggregate classification (germline): Benign. Review status: reviewed by expert panel (3 of 4 stars). 20 submissions from 19 submitters: Benign (1). 19 of the submissions do not count toward it. Last evaluated 2023-08-10.

Conditions:
CDH1-related diffuse gastric and lobular breast cancer syndrome. Also called: CDH1-related diffuse gastric and lobular breast cancer. Identifiers: MedGen CN311521, MONDO:0100488.
Hereditary cancer-predisposing syndrome. Also called: Neoplastic Syndromes, Hereditary; Hereditary neoplastic syndrome; Hereditary Cancer Syndrome; Tumor predisposition. Identifiers: Orphanet 140162, MedGen C0027672, MeSH D009386, MONDO:0015356.
Hereditary diffuse gastric adenocarcinoma (HDGC). Also called: DIFFUSE GASTRIC AND LOBULAR BREAST CANCER SYNDROME. Identifiers: Orphanet 26106, MedGen C1708349, MONDO:0007648, OMIM 137215.
Prostate cancer. Also called: Malignant tumor of prostate. Identifiers: Orphanet 1331, MedGen C0376358, MONDO:0008315, HP:0012125.
Malignant tumor of breast. Also called: Malignant breast neoplasm; Cancer breast. Identifiers: MedGen C0006142, MONDO:0007254. Disease mechanism: loss of function.

Allele frequency attached by ClinVar (database versions not stated): gnomAD exomes 0.00729 and 0.00919; ExAC 0.00963; TOPMed 0.01809; ESP Exome Variant Server 0.01901; 1000 Genomes Project 30x 0.01874; 1000 Genomes Project 0.01777; gnomAD 0.01569 and 0.01638.
gnomAD v4.1: 13,401 of 1,613,628 alleles (0.83%); highest among the groups gnomAD compares: Middle Eastern, 9.4%; 176 homozygotes.

Submissions (20):

Clingen Gastric Cancer Variant Curation Expert Panel
Classification: Benign for CDH1-related diffuse gastric and lobular breast cancer syndrome. Last evaluated: 2023-08-10. Review status: reviewed by expert panel. Criteria: ClinGen CDH1 ACMG Specifications V3.1. Collection method: curation. Allele origin: germline. Inheritance: Autosomal dominant inheritance.
Comment: The NM_004360.5(CDH1):c.2634C>T (p.Gly878=) variant has an allele frequency of 0.03601 (3.6%, 899/24962 alleles, 20 homozygotes) in the African subpopulation of the gnomAD v2.1.1 cohort (BA1; BP2). Therefore, this variant meets criteria to be classified as benign. ACMG/AMP criteria applied, as specified by the CDH1 Variant Curation Expert Panel (Variant Interpretation Guidelines Version 3.1): BA1, BP2.

Labcorp Genetics (formerly Invitae), Labcorp
Classification: Benign for Hereditary diffuse gastric adenocarcinoma. Last evaluated: 2026-02-04. Review status: criteria provided, single submitter. Criteria: Invitae Variant Classification Sherloc (09022015). Collection method: clinical testing. Allele origin: germline. Not counted in ClinVar's aggregate classification.

ARUP Laboratories, Molecular Genetics and Genomics, ARUP Laboratories
Classification: Benign. Last evaluated: 2025-07-23. Review status: criteria provided, single submitter. Criteria: ARUP Molecular Germline Variant Investigation Process 2024. Collection method: clinical testing. Allele origin: germline. Not counted in ClinVar's aggregate classification.

Center for Genomic Medicine, Rigshospitalet, Copenhagen University Hospital
Classification: Benign. Last evaluated: 2025-03-04. Review status: criteria provided, single submitter. Criteria: ACMG Guidelines, 2015. Collection method: clinical testing. Allele origin: germline. Not counted in ClinVar's aggregate classification.

KCCC/NGS Laboratory, Kuwait Cancer Control Center
Classification: Benign for Hereditary diffuse gastric adenocarcinoma. Last evaluated: 2025-02-01. Review status: criteria provided, single submitter. Criteria: ACMG Guidelines, 2015. Collection method: clinical testing. Allele origin: germline. Affected: no. Not counted in ClinVar's aggregate classification.

Myriad Genetics, Inc.
Classification: Benign for Hereditary diffuse gastric adenocarcinoma. Last evaluated: 2024-09-24. Review status: criteria provided, single submitter. Criteria: Myriad Autosomal Dominant, Autosomal Recessive and X-Linked Classification Criteria (2023). Collection method: clinical testing. Allele origin: unknown. Not counted in ClinVar's aggregate classification.
Comment: This variant is considered benign. This variant is a silent/synonymous amino acid change and it is not expected to impact splicing.

KCCC/NGS Laboratory, Kuwait Cancer Control Center
Classification: Benign for Familial prostate cancer. Last evaluated: 2023-07-07. Review status: criteria provided, single submitter. Criteria: ACMG Guidelines, 2015. Collection method: clinical testing. Allele origin: germline. Affected: yes. Not counted in ClinVar's aggregate classification.

European Reference Network on Genetic Tumour Risk Syndromes (ERN-GENTURIS), i3s - Instituto de Investigação e Inovação em Saúde, University of Porto
Classification: Benign for Hereditary diffuse gastric adenocarcinoma. Last evaluated: 2022-08-01. Review status: criteria provided, single submitter. Criteria: Lee et al. (Hum Mutat. 2018). Collection method: clinical testing. Allele origin: germline. Inheritance: Autosomal dominant inheritance. Affected: no. Study: ERN GENTURIS. Not counted in ClinVar's aggregate classification.
Comment: BA1; BP2_Strong (PMID: 30311375)

Illumina Laboratory Services, Illumina
Classification: Benign for Hereditary diffuse gastric adenocarcinoma. Last evaluated: 2018-01-13. Review status: criteria provided, single submitter. Criteria: ICSL Variant Classification Criteria 13 December 2019. Collection method: clinical testing. Allele origin: germline. Not counted in ClinVar's aggregate classification.
Comment: This variant was observed in the ICSL laboratory as part of a predisposition screen in an ostensibly healthy population. It had not been previously curated by ICSL or reported in the Human Gene Mutation Database (HGMD: prior to June 1st, 2018), and was therefore a candidate for classification through an automated scoring system. Utilizing variant allele frequency, disease prevalence and penetrance estimates, and inheritance mode, an automated score was calculated to assess if this variant is too frequent to cause the disease. Based on the score and internal cut-off values, a variant classified as benign is not then subjected to further curation. The score for this variant resulted in a classification of benign for this disease.

PreventionGenetics, part of Exact Sciences
Classification: Benign. Last evaluated: 2016-04-11. Review status: criteria provided, single submitter. Criteria: ACMG Guidelines, 2015. Collection method: clinical testing. Allele origin: germline. Not counted in ClinVar's aggregate classification.

Color Diagnostics, LLC DBA Color Health
Classification: Benign for Hereditary cancer-predisposing syndrome. Last evaluated: 2015-04-02. Review status: criteria provided, single submitter. Criteria: ACMG Guidelines, 2015. Collection method: clinical testing. Allele origin: germline. Not counted in ClinVar's aggregate classification.

GeneDx
Classification: Benign. Last evaluated: 2015-03-03. Review status: criteria provided, single submitter. Criteria: GeneDx Variant Classification Process June 2021. Collection method: clinical testing. Allele origin: germline. Affected: yes. Not counted in ClinVar's aggregate classification.

Ambry Genetics
Classification: Benign for Hereditary cancer-predisposing syndrome. Last evaluated: 2014-11-18. Review status: criteria provided, single submitter. Criteria: Ambry Variant Classification Scheme 2023. Collection method: clinical testing. Allele origin: germline. Not counted in ClinVar's aggregate classification.

Breakthrough Genomics
Classification: Benign. Review status: criteria provided, single submitter. Criteria: ACMG Guidelines, 2015. Collection method: not provided. Allele origin: germline. Inheritance: Autosomal dominant inheritance. Affected: yes. Not counted in ClinVar's aggregate classification.

True Health Diagnostics
Classification: Likely benign for Hereditary cancer-predisposing syndrome. Last evaluated: 2017-12-01. Review status: no assertion criteria provided. Collection method: clinical testing. Allele origin: germline. Not counted in ClinVar's aggregate classification.

Clinical Genetics, Academic Medical Center
Classification: Benign. Review status: no assertion criteria provided. Collection method: clinical testing. Allele origin: germline. Affected: yes. Study: VKGL Data-share Consensus. Not counted in ClinVar's aggregate classification.

Department of Pathology and Laboratory Medicine, Sinai Health System
Classification: Benign for Malignant tumor of breast. Review status: no assertion criteria provided. Collection method: clinical testing. Allele origin: unknown. Affected: yes. Study: The Canadian Open Genetics Repository (COGR). Not counted in ClinVar's aggregate classification.
Comment: The CDH1 p.Gly878= variant was identified in 7 of 438 proband chromosomes (frequency: 0.02) from individuals or families with hereditary diffuse gastric cancer (Jakubowska 2010, Oliveira 2002, Guindalini 2019, El-Husny 2014). The variant was also identified in dbSNP (ID: rs2229044) as "With other allele" and ClinVar (classified as benign by Invitae, Ambry Genetics and two other submitters; and as likely benign by three submitters). The variant was identified in control databases in 2637 of 277164 chromosomes (47 homozygous) at a frequency of 0.009, increasing the likelihood this could be a low frequency benign variant (Genome Aggregation Database Feb 27, 2017). The variant was observed in the following populations: African in 851 of 24030 chromosomes (freq: 0.04), Other in 122 of 6468 chromosomes (freq: 0.02), Latino in 430 of 34420 chromosomes (freq: 0.01), European in 911 of 126668 chromosomes (freq: 0.007), Ashkenazi Jewish in 112 of 10152 chromosomes (freq: 0.01), East Asian in 1 of 18864 chromosomes (freq: 0.00005), Finnish in 137 of 25780 chromosomes (freq: 0.005), and South Asian in 73 of 30782 chromosomes (freq: 0.002). The p.Gly878= variant is not expected to have clinical significance because it does not result in a change of amino acid and is not located in a known consensus splice site. In addition, in silico or computational prediction software programs (SpliceSiteFinder, MaxEntScan, NNSPLICE, GeneSplicer) do not predict a difference in splicing. In summary, based on the above information, this variant meets our laboratory's criteria to be classified as benign.

Genome Diagnostics Laboratory, Amsterdam University Medical Center
Classification: Benign. Review status: no assertion criteria provided. Collection method: clinical testing. Allele origin: germline. Affected: yes. Study: VKGL Data-share Consensus. Not counted in ClinVar's aggregate classification.

Joint Genome Diagnostic Labs from Nijmegen and Maastricht, Radboudumc and MUMC+
Classification: Benign. Review status: no assertion criteria provided. Collection method: clinical testing. Allele origin: germline. Affected: yes. Study: VKGL Data-share Consensus. Not counted in ClinVar's aggregate classification.

Mayo Clinic Laboratories, Mayo Clinic
Classification: Likely benign. Review status: no assertion criteria provided. Collection method: clinical testing. Allele origin: unknown. Not counted in ClinVar's aggregate classification.

Literature cited by the submitters: PubMed 36436516 (cited by European Reference Network on Genetic Tumour Risk Syndromes (ERN-GENTURIS), i3s - Instituto de Investigação e Inovação em Saúde, University of Porto).